The following is an entry in ClinVar:

NM_000243.3(MEFV):c.1727A>G (p.Glu576Gly)

Genes: MEFV (MEFV innate immunity regulator, pyrin; minus strand), LOC126862264 (CDK7 strongly-dependent group 2 enhancer GRCh37_chr16:3293322-3294521; plus strand). Cytogenetic location: 16p13.3.
Variant type: single nucleotide variant.
Coding change: c.1727A>G on transcript NM_000243.3 (MANE Select); coding-DNA position 1727, A replaced by G.
Protein change: p.Glu576Gly; replaces glutamic acid 576 with glycine.
Molecular consequence: missense variant.
Genome position (GRCh38, 1-based): chr16:3,244,286, T>C on the plus strand (A>G on the coding strand, the complement: MEFV is on the minus strand). VCF-style: chr16-3244286-T-C. GRCh37 (hg19) VCF-style: chr16-3294286-T-C.
Other names: c.1094A>G, p.Glu365Gly (NM_001198536.2); short protein forms E576G, E365G.
Identifiers: ClinVar variation 4774796 (VCV004774796.1).

ClinVar aggregate classification (germline): Uncertain significance (1 of 4 stars; one submission).

Conditions:
Familial Mediterranean fever (FMF). Also called: POLYSEROSITIS, FAMILIAL PAROXYSMAL; POLYSEROSITIS, RECURRENT; Periodic peritonitis; Benign paroxysmal peritonitis. Identifiers: Orphanet 342, MedGen C0031069, MONDO:0018088, OMIM 249100. Disease mechanism: gain of function.

Submission:

Labcorp Genetics (formerly Invitae), Labcorp
Classification: Uncertain significance for Familial Mediterranean fever. Last evaluated: 2025-12-13. Review status: criteria provided, single submitter. Criteria: Invitae Variant Classification Sherloc (09022015). Collection method: clinical testing. Allele origin: germline.
Comment: This sequence change replaces glutamic acid, which is acidic and polar, with glycine, which is neutral and non-polar, at codon 576 of the MEFV protein (p.Glu576Gly). This variant is not present in population databases (gnomAD no frequency). This variant has not been reported in the literature in individuals affected with MEFV-related conditions. An algorithm developed to predict the effect of missense changes on protein structure and function outputs the following: PolyPhen-2: "Benign". The glycine amino acid residue is found in multiple mammalian species, which suggests that this missense change does not adversely affect protein function. In summary, the available evidence is currently insufficient to determine the role of this variant in disease. Therefore, it has been classified as a Variant of Uncertain Significance.